The following is an entry in ClinVar:

ClinVar aggregate classification (germline): Uncertain significance. Review status: criteria provided, multiple submitters, no conflicts (2 of 4 stars). 3 submissions from 3 submitters: Uncertain significance (3). Last evaluated 2025-01-01.

Conditions:
Adams-Oliver syndrome 5 (AOS5). Identifiers: Orphanet 974, MedGen C4014970, MONDO:0014459, OMIM 616028.
Familial thoracic aortic aneurysm and aortic dissection (TAAD). Also called: Thoracic aortic aneurysms and dissections. Identifiers: Orphanet 91387, MedGen C4707243, MONDO:0019625.

Allele frequency attached by ClinVar (database versions not stated): gnomAD exomes below 0.00001.

Submissions (3):

Ambry Genetics
Classification: Uncertain significance for Familial thoracic aortic aneurysm and aortic dissection. Last evaluated: 2025-01-01. Review status: criteria provided, single submitter. Criteria: Ambry Variant Classification Scheme 2023. Collection method: clinical testing. Allele origin: germline.

Labcorp Genetics (formerly Invitae), Labcorp
Classification: Uncertain significance for Adams-Oliver syndrome 5. Last evaluated: 2024-06-30. Review status: criteria provided, single submitter. Criteria: Invitae Variant Classification Sherloc (09022015). Collection method: clinical testing. Allele origin: germline.
Comment: This sequence change replaces arginine, which is basic and polar, with cysteine, which is neutral and slightly polar, at codon 79 of the NOTCH1 protein (p.Arg79Cys). This variant is not present in population databases (gnomAD no frequency). This variant has not been reported in the literature in individuals affected with NOTCH1-related conditions. ClinVar contains an entry for this variant (Variation ID: 452991). Advanced modeling of protein sequence and biophysical properties (such as structural, functional, and spatial information, amino acid conservation, physicochemical variation, residue mobility, and thermodynamic stability) performed at Invitae indicates that this missense variant is not expected to disrupt NOTCH1 protein function with a negative predictive value of 95%. In summary, the available evidence is currently insufficient to determine the role of this variant in disease. Therefore, it has been classified as a Variant of Uncertain Significance.

GeneDx
Classification: Uncertain significance. Last evaluated: 2017-10-26. Review status: criteria provided, single submitter. Criteria: GeneDx Variant Classification (06012015). Collection method: clinical testing. Allele origin: germline. Affected: yes.
Comment: A variant of uncertain significance has been identified in the NOTCH1 gene. The R79C variant has not been published as pathogenic or been reported as benign to our knowledge. This variant is not observed in large population cohorts (Lek et al., 2016). The R79C variant is a non-conservative amino acid substitution, which is likely to impact secondary protein structure as these residues differ in polarity, charge, size and/or other properties. However, this substitution occurs at a position that is not conserved across species, and in silico analysis suggests that this variant likely does not alter the protein structure/function.

NM_017617.5(NOTCH1):c.235C>T (p.Arg79Cys)

Gene: NOTCH1 (notch receptor 1; minus strand). Cytogenetic location: 9q34.3.
Variant type: single nucleotide variant.
Coding change: c.235C>T on transcript NM_017617.5 (MANE Select); coding-DNA position 235, C replaced by T.
Protein change: p.Arg79Cys; replaces arginine 79 with cysteine.
Molecular consequence: missense variant.
Genome position (GRCh38, 1-based): chr9:136,523,885, G>A on the plus strand (C>T on the coding strand, the complement: NOTCH1 is on the minus strand). VCF-style: chr9-136523885-G-A. GRCh37 (hg19) VCF-style: chr9-139418337-G-A.
Other names: c.235C>T, p.Arg79Cys (LRG_1122t1); short protein forms R79C.
Identifiers: ClinVar variation 452991 (VCV000452991.5), dbSNP rs761439288, ClinGen allele CA201590527.